The following is an entry in ClinVar:

ClinVar aggregate classification (germline): Uncertain significance (1 of 4 stars; one submission).

Conditions:
Asphyxiating thoracic dystrophy 3. Also called: Saldino-Noonan Syndrome; SHORT-RIB THORACIC DYSPLASIA 3 WITH OR WITHOUT POLYDACTYLY; POLYDACTYLY WITH NEONATAL CHONDRODYSTROPHY, TYPE I; SHORT-RIB THORACIC DYSPLASIA 3/6 WITH POLYDACTYLY, DIGENIC; Short rib polydactyly syndrome 2B. Identifiers: Orphanet 474, Orphanet 93269, Orphanet 93270, Orphanet 93271, MedGen C0036069, MONDO:0013127, OMIM 613091.

gnomAD v4.1: 1 of 1,597,088 alleles (0.000063%); highest among the groups gnomAD compares: East Asian, 0.0022%; no homozygotes.

Submission:

Juno Genomics, Hangzhou Juno Genomics, Inc
Classification: Uncertain significance for Asphyxiating thoracic dystrophy 3. Review status: criteria provided, single submitter. Criteria: ACMG Guidelines, 2015. Collection method: clinical testing. Allele origin: germline. Affected: yes.
Comment: Absent from controls (or at extremely low frequency if recessive) in Genome Aggregation Database, Exome Sequencing Project, 1000 Genomes Project, or Exome Aggregation Consortium.;Multiple lines of computational evidence support a deleterious effect on the gene or gene product (conservation, evolutionary, splicing impact, etc).

NM_001377.3(DYNC2H1):c.11934+6T>A

Gene: DYNC2H1 (dynein cytoplasmic 2 heavy chain 1; plus strand). Cytogenetic location: 11q22.3.
Variant type: single nucleotide variant.
Coding change: c.11934+6T>A on transcript NM_001377.3 (MANE Select); 6 bases into the intron after coding-DNA position 11934, T replaced by A.
Molecular consequence: intron variant.
Genome position (GRCh38, 1-based): chr11:103,321,243, T>A. VCF-style: chr11-103321243-T-A. GRCh37 (hg19) VCF-style: chr11-103191972-T-A.
Other names: c.11955+6T>A (NM_001080463.2).
Identifiers: ClinVar variation 3382681 (VCV003382681.2).
Genomic context (GRCh38, chr11:103,321,243, plus strand): 5'-CAAGAAAAGCATTTTTCCATATTCCGTATCTCTACCACAATCCTGCAGCATTTTGGTAGG[T>A]AAAATGAATGATTTTCAATCTATTTCCAGGTAGATACGTGAATCATTTCTTACATTGTTA-3'